The following is an entry in ClinVar:

NM_004999.4(MYO6):c.1420A>C (p.Asn474His)

Gene: MYO6 (myosin VI; plus strand). Cytogenetic location: 6q14.1.
Variant type: single nucleotide variant.
Coding change: c.1420A>C on transcript NM_004999.4 (MANE Select); coding-DNA position 1420, A replaced by C.
Protein change: p.Asn474His; replaces asparagine 474 with histidine.
Molecular consequence: missense variant. On other transcripts: non-coding transcript variant (1).
Genome position (GRCh38, 1-based): chr6:75,858,940, A>C. VCF-style: chr6-75858940-A-C. GRCh37 (hg19) VCF-style: chr6-76568657-A-C.
Other names: c.1420A>C, p.Asn474His (NM_001300899.2, NM_001368136.1, NM_001368137.1 and 2 more transcripts); c.1405A>C, p.Asn469His (NM_001368138.1); short protein forms N469H, N474H.
Identifiers: ClinVar variation 5007094 (VCV005007094.2).

ClinVar aggregate classification (germline): Uncertain significance (1 of 4 stars; one submission).

Conditions:
Autosomal recessive nonsyndromic hearing loss 37. Identifiers: Orphanet 90636, MedGen C1843028, MONDO:0011912, OMIM 607821.
Autosomal dominant nonsyndromic hearing loss 22. Also called: DFNA 22; Autosomal dominant nonsyndromic deafness 22. Identifiers: Orphanet 228012, MedGen C2931767, MONDO:0011660, OMIM 606346.

Submission:

Juno Genomics, Hangzhou Juno Genomics, Inc
Classification: Uncertain significance for Autosomal dominant nonsyndromic hearing loss 22; Autosomal recessive nonsyndromic hearing loss 37. Review status: criteria provided, single submitter. Criteria: ACMG Guidelines, 2015. Collection method: clinical testing. Allele origin: germline.
Comment: Absent from controls (or at extremely low frequency if recessive) in Genome Aggregation Database.;Multiple lines of computational evidence support a deleterious effect on the gene or gene product.